The following is an entry in ClinVar:

ClinVar aggregate classification (germline): Likely benign (0 of 4 stars; one submission).

Conditions:
ZFHX4-related disorder. Also called: ZFHX4-related condition.

Allele frequency attached by ClinVar (database versions not stated): gnomAD exomes 0.00004; gnomAD 0.00007; ExAC 0.00010; TOPMed 0.00011.
gnomAD v4.1: 72 of 1,574,902 alleles (0.0046%); highest among the groups gnomAD compares: East Asian, 0.1%; 1 homozygote.

Submission:

PreventionGenetics, part of Exact Sciences
Classification: Likely benign for ZFHX4-related condition. Last evaluated: 2019-03-20. Review status: no assertion criteria provided. Collection method: clinical testing. Allele origin: germline.
Comment: This variant is classified as likely benign based on ACMG/AMP sequence variant interpretation guidelines (Richards et al. 2015 PMID: 25741868, with internal and published modifications).

NM_024721.5(ZFHX4):c.10182C>T (p.Tyr3394=)

Gene: ZFHX4 (zinc finger homeobox 4; plus strand). Cytogenetic location: 8q21.13.
Variant type: single nucleotide variant.
Coding change: c.10182C>T on transcript NM_024721.5 (MANE Select); coding-DNA position 10182, C replaced by T.
Protein change: p.Tyr3394=; no amino-acid change (tyrosine 3394 retained).
Molecular consequence: synonymous variant.
Genome position (GRCh38, 1-based): chr8:76,863,896, C>T. VCF-style: chr8-76863896-C-T. GRCh37 (hg19) VCF-style: chr8-77776132-C-T.
Other names: c.10104C>T, p.Tyr3368= (NM_001410934.1).
Identifiers: ClinVar variation 3057284 (VCV003057284.2), dbSNP rs111531604, ClinGen allele CA4788499.